The following is an entry in ClinVar:

ClinVar aggregate classification (germline): Uncertain significance (1 of 4 stars; one submission).

Conditions:
Immunodeficiency, common variable, 4. Also called: ANTIBODY DEFICIENCY DUE TO BAFFR DEFECT. Identifiers: Orphanet 1572, Orphanet 696925, MedGen C3150739, MONDO:0013284, OMIM 613494.

Allele frequency attached by ClinVar (database versions not stated): TOPMed 0.00001; ExAC 0.00001; gnomAD 0.00001.
gnomAD v4.1: 17 of 1,612,432 alleles (0.0011%); highest among the groups gnomAD compares: Non-Finnish European, 0.0014%; no homozygotes.

Submission:

Labcorp Genetics (formerly Invitae), Labcorp
Classification: Uncertain significance for Immunodeficiency, common variable, 4. Last evaluated: 2024-02-24. Review status: criteria provided, single submitter. Criteria: Invitae Variant Classification Sherloc (09022015). Collection method: clinical testing. Allele origin: germline.
Comment: This sequence change replaces proline, which is neutral and non-polar, with serine, which is neutral and polar, at codon 124 of the TNFRSF13C protein (p.Pro124Ser). The frequency data for this variant in the population databases is considered unreliable, as metrics indicate poor data quality at this position in the gnomAD database. This variant has not been reported in the literature in individuals affected with TNFRSF13C-related conditions. Algorithms developed to predict the effect of missense changes on protein structure and function output the following: SIFT: "Not Available"; PolyPhen-2: "Benign"; Align-GVGD: "Not Available". The serine amino acid residue is found in multiple mammalian species, which suggests that this missense change does not adversely affect protein function. In summary, the available evidence is currently insufficient to determine the role of this variant in disease. Therefore, it has been classified as a Variant of Uncertain Significance.

NM_052945.4(TNFRSF13C):c.370C>T (p.Pro124Ser)

Gene: TNFRSF13C (TNF receptor superfamily member 13C; minus strand). Cytogenetic location: 22q13.2.
Variant type: single nucleotide variant.
Coding change: c.370C>T on transcript NM_052945.4 (MANE Select); coding-DNA position 370, C replaced by T.
Protein change: p.Pro124Ser; replaces proline 124 with serine.
Molecular consequence: missense variant.
Genome position (GRCh38, 1-based): chr22:41,925,552, G>A on the plus strand (C>T on the coding strand, the complement: TNFRSF13C is on the minus strand). VCF-style: chr22-41925552-G-A. GRCh37 (hg19) VCF-style: chr22-42321556-G-A.
Other names: short protein forms P124S.
Identifiers: ClinVar variation 3021107 (VCV003021107.3), dbSNP rs753761495, ClinGen allele CA10262445.